The following is an entry in ClinVar:

NM_006206.6(PDGFRA):c.2163T>G (p.Val721=)

Gene: PDGFRA (platelet derived growth factor receptor alpha; plus strand). Cytogenetic location: 4q12.
Variant type: single nucleotide variant.
Coding change: c.2163T>G on transcript NM_006206.6 (MANE Select); coding-DNA position 2163, T replaced by G.
Protein change: p.Val721=; no amino-acid change (valine 721 retained).
Molecular consequence: synonymous variant.
Genome position (GRCh38, 1-based): chr4:54,280,322, T>G. VCF-style: chr4-54280322-T-G. GRCh37 (hg19) VCF-style: chr4-55146489-T-G.
Other names: c.2163T>G, p.Val721= (NM_001347827.2, NM_001347829.2); c.2238T>G, p.Val746= (NM_001347828.2); c.2202T>G, p.Val734= (NM_001347830.2); c.2163T>G (NM_006206.5).
Identifiers: ClinVar variation 459043 (VCV000459043.19), dbSNP rs1021654590, ClinGen allele CA96863065.

ClinVar aggregate classification (germline): Benign/Likely benign. Review status: criteria provided, multiple submitters, no conflicts (2 of 4 stars). 5 submissions from 5 submitters: Benign (1); Likely benign (4). Last evaluated 2026-06-17.

Conditions:
PDGFRA-related disorder. Also called: PDGFRA-related condition.
Polyps, multiple and recurrent inflammatory fibroid, gastrointestinal. Identifiers: MedGen C5193005, MONDO:0008285, OMIM 175510.
Hereditary cancer-predisposing syndrome. Also called: Tumor predisposition; Hereditary neoplastic syndrome; Neoplastic Syndromes, Hereditary; Hereditary Cancer Syndrome. Identifiers: Orphanet 140162, MedGen C0027672, MeSH D009386, MONDO:0015356.
Gastrointestinal stromal tumor. Also called: Gastrointestinal stromal tumor, somatic; Gastrointestinal stroma tumor. Identifiers: Orphanet 44890, MedGen C0238198, MeSH D046152, MONDO:0011719, OMIM 606764, HP:0100723.

Allele frequency attached by ClinVar (database versions not stated): gnomAD 0.00001; gnomAD exomes 0.00001; TOPMed 0.00001.
gnomAD v4.1: 11 of 1,613,508 alleles (0.00068%); highest among the groups gnomAD compares: Middle Eastern, 0.12%; no homozygotes.

Submissions (5):

Myriad Genetics, Inc.
Classification: Benign for Polyps, multiple and recurrent inflammatory fibroid, gastrointestinal. Last evaluated: 2026-06-17. Review status: criteria provided, single submitter. Criteria: Myriad Autosomal Dominant, Autosomal Recessive and X-Linked Classification Criteria (2023). Collection method: clinical testing. Allele origin: unknown.
Comment: This variant is considered benign. This variant is a silent/synonymous amino acid change and it is not expected to impact splicing.

Labcorp Genetics (formerly Invitae), Labcorp
Classification: Likely benign for Gastrointestinal stromal tumor. Last evaluated: 2025-11-17. Review status: criteria provided, single submitter. Criteria: Invitae Variant Classification Sherloc (09022015). Collection method: clinical testing. Allele origin: germline.

PreventionGenetics, part of Exact Sciences
Classification: Likely benign for PDGFRA-related condition. Last evaluated: 2025-10-21. Review status: criteria provided, single submitter. Criteria: ACMG Guidelines, 2015. Collection method: clinical testing. Allele origin: germline.
Comment: This variant is classified as likely benign based on ACMG/AMP sequence variant interpretation guidelines (Richards et al. 2015 PMID: 25741868, with internal and published modifications).

Blueprint Genetics
Classification: Likely benign. Last evaluated: 2022-07-17. Review status: criteria provided, single submitter. Criteria: ACMG Guidelines, 2015. Collection method: clinical testing. Allele origin: germline.

Ambry Genetics
Classification: Likely benign for Hereditary cancer-predisposing syndrome. Last evaluated: 2019-06-07. Review status: criteria provided, single submitter. Criteria: Ambry Variant Classification Scheme 2023. Collection method: clinical testing. Allele origin: germline.